The following is an entry in ClinVar:

NM_025136.4(OPA3):c.360C>A (p.Asn120Lys)

Genes: OPA3 (outer mitochondrial membrane lipid metabolism regulator OPA3; minus strand), OPA3-RTN2 (OPA3-RTN2 readthrough; minus strand). Cytogenetic location: 19q13.32.
Variant type: single nucleotide variant.
Coding change: c.360C>A on transcript NM_025136.4 (MANE Select); coding-DNA position 360, C replaced by A.
Protein change: p.Asn120Lys; replaces asparagine 120 with lysine.
Molecular consequence: missense variant. On other transcripts: intron variant (1).
Genome position (GRCh38, 1-based): chr19:45,553,694, G>T on the plus strand (C>A on the coding strand, the complement: OPA3 is on the minus strand). VCF-style: chr19-45553694-G-T. GRCh37 (hg19) VCF-style: chr19-46056952-G-T.
Other names: c.143-24238C>A (NM_001017989.3); short protein forms N120K.
Identifiers: ClinVar variation 2134287 (VCV002134287.4), dbSNP rs1308359391, ClinGen allele CA406370438.
Genomic context (GRCh38, chr19:45,553,694, plus strand): 5'-CACCTGCGCCTGCAGCGCTTCCAGCGCCAGCGCCAGGTGGCCCACCTCGTCCCGCAGCGC[G>T]TTCCAGGCAGCACGCTGCTCCTCCTCCTTGTGGCGCTGCTGCGCCTGGTGGCGCCAGTAC-3'
Protein context (NP_079412.1, residues 110-130): HKEEEQRAAW[Asn120Lys]ALRDEVGHLA

ClinVar aggregate classification (germline): Uncertain significance (1 of 4 stars; one submission).

Conditions:
Optic atrophy 3 (OPA3). Also called: OPTIC ATROPHY 3, AUTOSOMAL DOMINANT; Optic atrophy, cataract, and neurologic disorder; Optic atrophy 3 with cataract. Identifiers: Orphanet 67036, MedGen C1833809, MONDO:0008133, OMIM 165300.
3-Methylglutaconic aciduria type 3 (MGCA3). Also called: OPA3, AUTOSOMAL RECESSIVE; OPTIC ATROPHY 3, AUTOSOMAL RECESSIVE; OPA3-Related 3-Methylglutaconic Aciduria; Costeff Syndrome. Identifiers: Orphanet 67047, MedGen C0574084, MONDO:0009787, OMIM 258501.

Submission:

Labcorp Genetics (formerly Invitae), Labcorp
Classification: Uncertain significance for 3-Methylglutaconic aciduria type 3; Optic atrophy 3. Last evaluated: 2022-05-05. Review status: criteria provided, single submitter. Criteria: Invitae Variant Classification Sherloc (09022015). Collection method: clinical testing. Allele origin: germline.
Comment: In summary, the available evidence is currently insufficient to determine the role of this variant in disease. Therefore, it has been classified as a Variant of Uncertain Significance. Algorithms developed to predict the effect of missense changes on protein structure and function (SIFT, PolyPhen-2, Align-GVGD) all suggest that this variant is likely to be tolerated. This variant has not been reported in the literature in individuals affected with OPA3-related conditions. This variant is not present in population databases (gnomAD no frequency). This sequence change replaces asparagine, which is neutral and polar, with lysine, which is basic and polar, at codon 120 of the OPA3 protein (p.Asn120Lys).